The following is an entry in ClinVar:

ClinVar aggregate classification (germline): Uncertain significance (1 of 4 stars; one submission).

gnomAD v4.1: 2 of 1,614,046 alleles (0.00012%); highest among the groups gnomAD compares: East Asian, 0.0022%; no homozygotes.

Submission:

Labcorp Genetics (formerly Invitae), Labcorp
Classification: Uncertain significance. Last evaluated: 2025-06-06. Review status: criteria provided, single submitter. Criteria: Invitae Variant Classification Sherloc (09022015). Collection method: clinical testing. Allele origin: germline.
Comment: This sequence change replaces glutamine, which is neutral and polar, with proline, which is neutral and non-polar, at codon 213 of the ATP2B4 protein (p.Gln213Pro). This variant is present in population databases (rs778763585, gnomAD 0.006%). This variant has not been reported in the literature in individuals affected with ATP2B4-related conditions. Invitae Evidence Modeling of protein sequence and biophysical properties (such as structural, functional, and spatial information, amino acid conservation, physicochemical variation, residue mobility, and thermodynamic stability) indicates that this missense variant is not expected to disrupt ATP2B4 protein function with a negative predictive value of 80%. In summary, the available evidence is currently insufficient to determine the role of this variant in disease. Therefore, it has been classified as a Variant of Uncertain Significance.

NM_001684.5(ATP2B4):c.638A>C (p.Gln213Pro)

Gene: ATP2B4 (ATPase plasma membrane Ca2+ transporting 4; plus strand). Cytogenetic location: 1q32.1.
Variant type: single nucleotide variant.
Coding change: c.638A>C on transcript NM_001684.5 (MANE Select); coding-DNA position 638, A replaced by C.
Protein change: p.Gln213Pro; replaces glutamine 213 with proline.
Molecular consequence: missense variant.
Genome position (GRCh38, 1-based): chr1:203,699,706, A>C. VCF-style: chr1-203699706-A-C. GRCh37 (hg19) VCF-style: chr1-203668834-A-C.
Other names: c.638A>C, p.Gln213Pro (NM_001001396.3, NM_001365783.2, NM_001365784.2); short protein forms Q213P.
Identifiers: ClinVar variation 4745843 (VCV004745843.1).